The following is an entry in ClinVar:

ClinVar aggregate classification (germline): Uncertain significance. Review status: criteria provided, multiple submitters, no conflicts (2 of 4 stars). 3 submissions from 3 submitters: Uncertain significance (2). 1 of the submissions does not count toward it. Last evaluated 2026-05-23.

Conditions:
Inborn genetic diseases. Identifiers: MedGen C0950123, MeSH D030342.
ABL1-related disorder. Also called: ABL1-related condition.

Submissions (3):

Ambry Genetics
Classification: Uncertain significance for Inborn genetic diseases. Last evaluated: 2026-05-23. Review status: criteria provided, single submitter. Criteria: Ambry Variant Classification Scheme 2023. Collection method: clinical testing. Allele origin: germline.

Labcorp Genetics (formerly Invitae), Labcorp
Classification: Uncertain significance. Last evaluated: 2022-11-15. Review status: criteria provided, single submitter. Criteria: Invitae Variant Classification Sherloc (09022015). Collection method: clinical testing. Allele origin: germline.
Comment: In summary, the available evidence is currently insufficient to determine the role of this variant in disease. Therefore, it has been classified as a Variant of Uncertain Significance. Advanced modeling of protein sequence and biophysical properties (such as structural, functional, and spatial information, amino acid conservation, physicochemical variation, residue mobility, and thermodynamic stability) performed at Invitae indicates that this missense variant is not expected to disrupt ABL1 protein function. This variant has not been reported in the literature in individuals affected with ABL1-related conditions. This variant is not present in population databases (gnomAD no frequency). This sequence change replaces asparagine, which is neutral and polar, with threonine, which is neutral and polar, at codon 139 of the ABL1 protein (p.Asn139Thr).

PreventionGenetics, part of Exact Sciences
Classification: Uncertain significance for ABL1-related condition. Last evaluated: 2023-12-14. Review status: no assertion criteria provided. Collection method: clinical testing. Allele origin: germline. Not counted in ClinVar's aggregate classification.
Comment: The ABL1 c.416A>C variant is predicted to result in the amino acid substitution p.Asn139Thr. To our knowledge, this variant has not been reported in the literature or in a large population database, indicating this variant is rare. At this time, the clinical significance of this variant is uncertain due to the absence of conclusive functional and genetic evidence.

NM_005157.6(ABL1):c.359A>C (p.Asn120Thr)

Gene: ABL1 (ABL proto-oncogene 1, non-receptor tyrosine kinase; plus strand). Cytogenetic location: 9q34.12.
Variant type: single nucleotide variant.
Coding change: c.359A>C on transcript NM_005157.6 (MANE Select); coding-DNA position 359, A replaced by C.
Protein change: p.Asn120Thr; replaces asparagine 120 with threonine.
Molecular consequence: missense variant.
Genome position (GRCh38, 1-based): chr9:130,854,906, A>C. VCF-style: chr9-130854906-A-C. GRCh37 (hg19) VCF-style: chr9-133730293-A-C.
Other names: c.416A>C (NM_007313.2); c.416A>C, p.Asn139Thr (NM_007313.3); short protein forms N139T, N120T.
Identifiers: ClinVar variation 2813675 (VCV002813675.6), dbSNP rs1830948619, ClinGen allele CA375258082.